The following is an entry in ClinVar:

ClinVar aggregate classification (germline): Uncertain significance (1 of 4 stars; one submission).

Allele frequency attached by ClinVar (database versions not stated): gnomAD exomes below 0.00001; TOPMed 0.00001; gnomAD 0.00002.
gnomAD v4.1: 7 of 1,612,946 alleles (0.00043%); highest among the groups gnomAD compares: African/African-American, 0.004%; no homozygotes.

Submission:

Labcorp Genetics (formerly Invitae), Labcorp
Classification: Uncertain significance. Last evaluated: 2023-08-07. Review status: criteria provided, single submitter. Criteria: Invitae Variant Classification Sherloc (09022015). Collection method: clinical testing. Allele origin: germline.
Comment: In summary, the available evidence is currently insufficient to determine the role of this variant in disease. Therefore, it has been classified as a Variant of Uncertain Significance. Algorithms developed to predict the effect of missense changes on protein structure and function output the following: SIFT: "Not Available"; PolyPhen-2: "Probably Damaging"; Align-GVGD: "Not Available". The glutamine amino acid residue is found in multiple mammalian species, which suggests that this missense change does not adversely affect protein function. This variant has not been reported in the literature in individuals affected with HMCN1-related conditions. This variant is present in population databases (no rsID available, gnomAD 0.01%). This sequence change replaces arginine, which is basic and polar, with glutamine, which is neutral and polar, at codon 3138 of the HMCN1 protein (p.Arg3138Gln).

NM_031935.3(HMCN1):c.9413G>A (p.Arg3138Gln)

Gene: HMCN1 (hemicentin 1; plus strand). Cytogenetic location: 1q31.1.
Variant type: single nucleotide variant.
Coding change: c.9413G>A on transcript NM_031935.3 (MANE Select); coding-DNA position 9413, G replaced by A.
Protein change: p.Arg3138Gln; replaces arginine 3138 with glutamine.
Molecular consequence: missense variant.
Genome position (GRCh38, 1-based): chr1:186,087,981, G>A. VCF-style: chr1-186087981-G-A. GRCh37 (hg19) VCF-style: chr1-186057113-G-A.
Other names: short protein forms R3138Q.
Identifiers: ClinVar variation 2898911 (VCV002898911.3), dbSNP rs889154522, ClinGen allele CA33478231.
Genomic context (GRCh38, chr1:186,087,981, plus strand): 5'-TTTTCTTTTAGGTATCTGACACAGGCCAGTATGTATGTAGAGCTATAAATGTAGCAGGAC[G>A]GGATGATAAAAATTTCCACCTCAATGTATATGGTGAGCATTTGCCTCTAATACAACTCTT-3'
Protein context (NP_114141.2, residues 3128-3148): YVCRAINVAG[Arg3138Gln]DDKNFHLNVY